The following is an entry in ClinVar:

NM_003900.5(SQSTM1):c.1072A>G (p.Met358Val)

Gene: SQSTM1 (sequestosome 1; plus strand). Cytogenetic location: 5q35.3.
Variant type: single nucleotide variant.
Coding change: c.1072A>G on transcript NM_003900.5 (MANE Select); coding-DNA position 1072, A replaced by G.
Protein change: p.Met358Val; replaces methionine 358 with valine.
Molecular consequence: missense variant.
Genome position (GRCh38, 1-based): chr5:179,833,689, A>G. VCF-style: chr5-179833689-A-G. GRCh37 (hg19) VCF-style: chr5-179260689-A-G.
Other names: c.820A>G, p.Met274Val (NM_001142298.2, NM_001142299.2); short protein forms M274V, M358V.
Identifiers: ClinVar variation 1052371 (VCV001052371.9), dbSNP rs2113512757, ClinGen allele CA362452745.
Genomic context (GRCh38, chr5:179,833,689, plus strand): 5'-TGGACCCATCTGTCTTCAAAAGAAGTGGACCCGTCTACAGGTGAACTCCAGTCCCTACAG[A>G]TGCCAGAATCCGAAGGGCCAAGCTCTCTGGACCCCTCCCAGGAGGGACCCACAGGGCTGA-3'
Protein context (NP_003891.1, residues 348-368): PSTGELQSLQ[Met358Val]PESEGPSSLD

ClinVar aggregate classification (germline): Uncertain significance (1 of 4 stars; one submission).

Conditions:
Paget disease of bone 2, early-onset (PDB2). Also called: Paget disease of bone 2. Identifiers: MedGen C4085251, MONDO:0011183, OMIM 602080.
Frontotemporal dementia and/or amyotrophic lateral sclerosis 1 (FTDALS1). Also called: Frontotemporal dementia with motor neuron disease 1; C9orf72 Frontotemporal Dementia and/or Amyotrophic Lateral Sclerosis. Identifiers: Orphanet 275872, MedGen C5779877, MONDO:0007105, OMIM 105550.

Submission:

Labcorp Genetics (formerly Invitae), Labcorp
Classification: Uncertain significance for Paget disease of bone 2, early-onset; Frontotemporal dementia and/or amyotrophic lateral sclerosis 1. Last evaluated: 2023-07-03. Review status: criteria provided, single submitter. Criteria: Invitae Variant Classification Sherloc (09022015). Collection method: clinical testing. Allele origin: germline.
Comment: This sequence change replaces methionine, which is neutral and non-polar, with valine, which is neutral and non-polar, at codon 358 of the SQSTM1 protein (p.Met358Val). This variant is not present in population databases (gnomAD no frequency). This variant has not been reported in the literature in individuals affected with SQSTM1-related conditions. ClinVar contains an entry for this variant (Variation ID: 1052371). Advanced modeling of protein sequence and biophysical properties (such as structural, functional, and spatial information, amino acid conservation, physicochemical variation, residue mobility, and thermodynamic stability) performed at Invitae indicates that this missense variant is not expected to disrupt SQSTM1 protein function. In summary, the available evidence is currently insufficient to determine the role of this variant in disease. Therefore, it has been classified as a Variant of Uncertain Significance.